The following is an entry in ClinVar:

ClinVar aggregate classification (germline): Uncertain significance (1 of 4 stars; one submission).

Conditions:
Episodic ataxia type 2 (EA2). Also called: ATAXIA, EPISODIC, WITH NYSTAGMUS; ATAXIA, FAMILIAL PAROXYSMAL; CEREBELLAR ATAXIA, PAROXYSMAL, ACETAZOLAMIDE-RESPONSIVE; CEREBELLOPATHY, HEREDITARY PAROXYSMAL; EPISODIC ATAXIA, NYSTAGMUS-ASSOCIATED; ACETAZOLAMIDE-RESPONSIVE HEREDITARY PAROXYSMAL CEREBELLAR ATAXIA. Identifiers: Orphanet 97, MedGen C1720416, MONDO:0007163, OMIM 108500.
Developmental and epileptic encephalopathy, 42 (DEE42A). Also called: Epileptic encephalopathy, early infantile, 42; DEVELOPMENTAL AND EPILEPTIC ENCEPHALOPATHY 42A; EPILEPTIC ENCEPHALOPATHY, EARLY INFANTILE, 42A. Identifiers: MedGen C4310716, MONDO:0014917, OMIM 617106.

Allele frequency attached by ClinVar (database versions not stated): gnomAD exomes below 0.00001; ExAC 0.00001; gnomAD 0.00001; TOPMed 0.00002; ESP Exome Variant Server 0.00010.
gnomAD v4.1: 3 of 1,597,428 alleles (0.00019%); highest among the groups gnomAD compares: African/African-American, 0.0027%; no homozygotes.

Submission:

Labcorp Genetics (formerly Invitae), Labcorp
Classification: Uncertain significance for Developmental and epileptic encephalopathy, 42; Episodic ataxia type 2. Last evaluated: 2024-09-06. Review status: criteria provided, single submitter. Criteria: Invitae Variant Classification Sherloc (09022015). Collection method: clinical testing. Allele origin: germline.
Comment: This sequence change replaces proline, which is neutral and non-polar, with leucine, which is neutral and non-polar, at codon 1870 of the CACNA1A protein (p.Pro1870Leu). This variant is not present in population databases (gnomAD no frequency). This variant has not been reported in the literature in individuals affected with CACNA1A-related conditions. ClinVar contains an entry for this variant (Variation ID: 1961163). Invitae Evidence Modeling of protein sequence and biophysical properties (such as structural, functional, and spatial information, amino acid conservation, physicochemical variation, residue mobility, and thermodynamic stability) has been performed for this missense variant. However, the output from this modeling did not meet the statistical confidence thresholds required to predict the impact of this variant on CACNA1A protein function. In summary, the available evidence is currently insufficient to determine the role of this variant in disease. Therefore, it has been classified as a Variant of Uncertain Significance.

NM_001127221.2(CACNA1A):c.5609C>T (p.Pro1870Leu)

Gene: CACNA1A (calcium voltage-gated channel subunit alpha1 A; minus strand). Cytogenetic location: 19p13.13.
Variant type: single nucleotide variant.
Coding change: c.5609C>T on transcript NM_001127221.2 (MANE Plus Clinical); coding-DNA position 5609, C replaced by T.
Protein change: p.Pro1870Leu; replaces proline 1870 with leucine.
Molecular consequence: missense variant. On other transcripts: intron variant (4).
Genome position (GRCh38, 1-based): chr19:13,228,718, G>A on the plus strand (C>T on the coding strand, the complement: CACNA1A is on the minus strand). VCF-style: chr19-13228718-G-A. GRCh37 (hg19) VCF-style: chr19-13339532-G-A.
Other names: c.5529-1191C>T (NM_001127222.2); c.5538-1191C>T (NM_001174080.2); c.5547-1191C>T (NM_000068.4, NM_023035.3); short protein forms P1870L.
Identifiers: ClinVar variation 1961163 (VCV001961163.5), dbSNP rs370745220, ClinGen allele CA9239688.